The following is an entry in ClinVar:

NM_005585.5(SMAD6):c.1360G>A (p.Ala454Thr)

Gene: SMAD6 (SMAD family member 6; plus strand). Cytogenetic location: 15q22.31.
Variant type: single nucleotide variant.
Coding change: c.1360G>A on transcript NM_005585.5 (MANE Select); coding-DNA position 1360, G replaced by A.
Protein change: p.Ala454Thr; replaces alanine 454 with threonine.
Molecular consequence: missense variant. On other transcripts: non-coding transcript variant (1).
Genome position (GRCh38, 1-based): chr15:66,781,404, G>A. VCF-style: chr15-66781404-G-A. GRCh37 (hg19) VCF-style: chr15-67073742-G-A.
Other names: short protein forms A454T.
Identifiers: ClinVar variation 1000571 (VCV001000571.8), dbSNP rs754474911, ClinGen allele CA393202375.

ClinVar aggregate classification (germline): Uncertain significance (1 of 4 stars; one submission).

Conditions:
Aortic valve disease 2 (AOVD2). Identifiers: MedGen C3542024, MONDO:0013902, OMIM 614823.

Allele frequency attached by ClinVar (database versions not stated): TOPMed 0.00001.
gnomAD v4.1: 1 of 1,603,114 alleles (0.000062%); highest among the groups gnomAD compares: East Asian, 0.0022%; no homozygotes.

Submission:

Labcorp Genetics (formerly Invitae), Labcorp
Classification: Uncertain significance for Aortic valve disease 2. Last evaluated: 2020-04-07. Review status: criteria provided, single submitter. Criteria: Invitae Variant Classification Sherloc (09022015). Collection method: clinical testing. Allele origin: germline.
Comment: In summary, the available evidence is currently insufficient to determine the role of this variant in disease. Therefore, it has been classified as a Variant of Uncertain Significance. Algorithms developed to predict the effect of missense changes on protein structure and function (SIFT, PolyPhen-2, Align-GVGD) all suggest that this variant is likely to be tolerated, but these predictions have not been confirmed by published functional studies and their clinical significance is uncertain. This variant has not been reported in the literature in individuals with SMAD6-related conditions. This variant is not present in population databases (ExAC no frequency). This sequence change replaces alanine with threonine at codon 454 of the SMAD6 protein (p.Ala454Thr). The alanine residue is moderately conserved and there is a small physicochemical difference between alanine and threonine.